The following is an entry in ClinVar:

ClinVar aggregate classification (germline): Uncertain significance. Review status: criteria provided, multiple submitters, no conflicts (2 of 4 stars). 2 submissions from 2 submitters: Uncertain significance (2). Last evaluated 2026-01-22.

Conditions:
Cystic fibrosis (CF). Also called: MUCOVISCIDOSIS. Identifiers: Orphanet 586, MedGen C0010674, MONDO:0009061, OMIM 219700. Disease mechanism: loss of function.
CFTR-related disorder (CFTR-RD). Also called: CFTR-related disorders; CFTR-related condition. Identifiers: MedGen C5924204, MONDO:7770004.

Submissions (2):

PreventionGenetics, part of Exact Sciences
Classification: Uncertain significance for CFTR-related condition. Last evaluated: 2026-01-22. Review status: criteria provided, single submitter. Criteria: ACMG Guidelines, 2015. Collection method: clinical testing. Allele origin: germline.
Comment: The CFTR c.2515A>G variant is predicted to result in the amino acid substitution p.Ser839Gly. To our knowledge, this variant has not been reported in the literature or in a large population database (gnomAD), indicating this variant is rare. At this time, the clinical significance of this variant is uncertain due to the absence of conclusive functional and genetic evidence.

Ambry Genetics
Classification: Uncertain significance for Cystic fibrosis. Last evaluated: 2023-01-17. Review status: criteria provided, single submitter. Criteria: Ambry Variant Classification Scheme 2023. Collection method: clinical testing. Allele origin: germline.
Comment: The p.S839G variant (also known as c.2515A>G), located in coding exon 15 of the CFTR gene, results from an A to G substitution at nucleotide position 2515. The serine at codon 839 is replaced by glycine, an amino acid with similar properties. This amino acid position is poorly conserved in available vertebrate species. In addition, this alteration is predicted to be tolerated by in silico analysis. Since supporting evidence is limited at this time, the clinical significance of this alteration remains unclear.

NM_000492.4(CFTR):c.2515A>G (p.Ser839Gly)

Gene: CFTR (CF transmembrane conductance regulator; plus strand). Cytogenetic location: 7q31.2.
Variant type: single nucleotide variant.
Coding change: c.2515A>G on transcript NM_000492.4 (MANE Select); coding-DNA position 2515, A replaced by G.
Protein change: p.Ser839Gly; replaces serine 839 with glycine.
Molecular consequence: missense variant.
Genome position (GRCh38, 1-based): chr7:117,594,954, A>G. VCF-style: chr7-117594954-A-G. GRCh37 (hg19) VCF-style: chr7-117235008-A-G.
Other names: short protein forms S839G.
Identifiers: ClinVar variation 1792455 (VCV001792455.4), dbSNP rs2116039371, ClinGen allele CA368983866.